The following is an entry in ClinVar:

ClinVar aggregate classification (germline): Uncertain significance (1 of 4 stars; one submission).

Submission:

Ambry Genetics
Classification: Uncertain significance. Last evaluated: 2022-07-10. Review status: criteria provided, single submitter. Criteria: Ambry Variant Classification Scheme 2023. Collection method: clinical testing. Allele origin: germline.
Comment: The p.P2287L variant (also known as c.6860C>T), located in coding exon 51 of the PRKDC gene, results from a C to T substitution at nucleotide position 6860. The proline at codon 2287 is replaced by leucine, an amino acid with similar properties. This amino acid position is conserved. Since supporting evidence is limited at this time, the clinical significance of this alteration remains unclear.

NM_006904.7(PRKDC):c.6860C>T (p.Pro2287Leu)

Gene: PRKDC (protein kinase, DNA-activated, catalytic subunit; minus strand). Cytogenetic location: 8q11.21.
Variant type: single nucleotide variant.
Coding change: c.6860C>T on transcript NM_006904.7 (MANE Select); coding-DNA position 6860, C replaced by T.
Protein change: p.Pro2287Leu; replaces proline 2287 with leucine.
Molecular consequence: missense variant.
Genome position (GRCh38, 1-based): chr8:47,854,116, G>A on the plus strand (C>T on the coding strand, the complement: PRKDC is on the minus strand). VCF-style: chr8-47854116-G-A. GRCh37 (hg19) VCF-style: chr8-48766677-G-A.
Other names: c.6860C>T, p.Pro2287Leu (NM_001081640.2); short protein forms P2287L.
Identifiers: ClinVar variation 1755843 (VCV001755843.2), dbSNP rs2551869252, ClinGen allele CA371158425.
Genomic context (GRCh38, chr8:47,854,116, plus strand): 5'-CTAAAAAATAATCAAGCAAACACGTACTCGCTACTCTGGATGCCACACTGTGGGTCATAG[G>A]GAGGCAGGTCATTGGCCATCACGATGCCTAGCAATTGAATCCCTACTGAGTTGTCTTTAG-3'
Protein context (NP_008835.5, residues 2277-2297): LGIVMANDLP[Pro2287Leu]YDPQCGIQSS